The following is an entry in ClinVar:

NM_020821.3(VPS13C):c.2270A>G (p.Gln757Arg)

Gene: VPS13C (vacuolar protein sorting 13 homolog C; minus strand). Cytogenetic location: 15q22.2.
Variant type: single nucleotide variant.
Coding change: c.2270A>G on transcript NM_020821.3 (MANE Select); coding-DNA position 2270, A replaced by G.
Protein change: p.Gln757Arg; replaces glutamine 757 with arginine.
Molecular consequence: missense variant.
Genome position (GRCh38, 1-based): chr15:61,978,646, T>C on the plus strand (A>G on the coding strand, the complement: VPS13C is on the minus strand). VCF-style: chr15-61978646-T-C. GRCh37 (hg19) VCF-style: chr15-62270845-T-C.
Other names: c.2270A>G (NM_020821.2); c.2270A>G, p.Gln757Arg (NM_001018088.3); c.2141A>G, p.Gln714Arg (NM_017684.5, NM_018080.4); short protein forms Q714R, Q757R.
Identifiers: ClinVar variation 1600984 (VCV001600984.9), dbSNP rs140060073, ClinGen allele CA7596783.

ClinVar aggregate classification (germline): Conflicting classifications of pathogenicity. Review status: criteria provided, conflicting classifications (1 of 4 stars). 2 submissions from 2 submitters: Uncertain significance (1); Benign (1). Last evaluated 2025-12-03.

Allele frequency attached by ClinVar (database versions not stated): 1000 Genomes Project 30x 0.00016; 1000 Genomes Project 0.00020; gnomAD exomes 0.00036 and 0.00080; TOPMed 0.00046; gnomAD 0.00050 and 0.00052; ExAC 0.00074; ESP Exome Variant Server 0.00077.
gnomAD v4.1: 653 of 1,611,458 alleles (0.041%); highest among the groups gnomAD compares: Admixed American, 0.05%; no homozygotes.

Submissions (2):

Labcorp Genetics (formerly Invitae), Labcorp
Classification: Benign. Last evaluated: 2025-12-03. Review status: criteria provided, single submitter. Criteria: Invitae Variant Classification Sherloc (09022015). Collection method: clinical testing. Allele origin: germline.

GeneDx
Classification: Uncertain significance. Last evaluated: 2023-10-08. Review status: criteria provided, single submitter. Criteria: GeneDx Variant Classification Process June 2021. Collection method: clinical testing. Allele origin: germline. Affected: yes.
Comment: In silico analysis supports that this missense variant has a deleterious effect on protein structure/function; Has not been previously published as pathogenic or benign to our knowledge